The following is an entry in ClinVar:

ClinVar aggregate classification (germline): Uncertain significance (1 of 4 stars; one submission).

Submission:

GeneDx
Classification: Uncertain significance. Last evaluated: 2025-02-07. Review status: criteria provided, single submitter. Criteria: GeneDx Variant Classification Process June 2021. Collection method: clinical testing. Allele origin: germline. Affected: yes.
Comment: In silico analysis supports that this missense variant has a deleterious effect on protein structure/function; Has not been previously published as pathogenic or benign to our knowledge

NM_198173.3(GRHL3):c.917G>A (p.Arg306Gln)

Gene: GRHL3 (grainyhead like transcription factor 3; plus strand). Cytogenetic location: 1p36.11.
Variant type: single nucleotide variant.
Coding change: c.917G>A on transcript NM_198173.3 (MANE Select); coding-DNA position 917, G replaced by A.
Protein change: p.Arg306Gln; replaces arginine 306 with glutamine.
Molecular consequence: missense variant.
Genome position (GRCh38, 1-based): chr1:24,338,068, G>A. VCF-style: chr1-24338068-G-A. GRCh37 (hg19) VCF-style: chr1-24664558-G-A.
Other names: c.779G>A, p.Arg260Gln (NM_001195010.2); c.932G>A, p.Arg311Gln (NM_021180.4); c.917G>A, p.Arg306Gln (NM_198174.3); short protein forms R260Q, R306Q, R311Q.
Identifiers: ClinVar variation 4074421 (VCV004074421.1).